The following is an entry in ClinVar:

NM_032043.3(BRIP1):c.2545T>C (p.Phe849Leu)

Gene: BRIP1 (BRCA1 interacting DNA helicase 1; minus strand). Cytogenetic location: 17q23.2.
Variant type: single nucleotide variant.
Coding change: c.2545T>C on transcript NM_032043.3 (MANE Select); coding-DNA position 2545, T replaced by C.
Protein change: p.Phe849Leu; replaces phenylalanine 849 with leucine.
Molecular consequence: missense variant.
Genome position (GRCh38, 1-based): chr17:61,693,460, A>G on the plus strand (T>C on the coding strand, the complement: BRIP1 is on the minus strand). VCF-style: chr17-61693460-A-G. GRCh37 (hg19) VCF-style: chr17-59770821-A-G.
Other names: short protein forms F849L.
Identifiers: ClinVar variation 185615 (VCV000185615.12), dbSNP rs786202317, ClinGen allele CA192420.

ClinVar aggregate classification (germline): Uncertain significance. Review status: criteria provided, multiple submitters, no conflicts (2 of 4 stars). 2 submissions from 2 submitters: Uncertain significance (2). Last evaluated 2022-10-07.

Conditions:
Hereditary cancer-predisposing syndrome. Also called: Tumor predisposition; Hereditary Cancer Syndrome; Hereditary neoplastic syndrome; Neoplastic Syndromes, Hereditary. Identifiers: Orphanet 140162, MedGen C0027672, MeSH D009386, MONDO:0015356.
Familial cancer of breast. Also called: BREAST CANCER, FAMILIAL; hereditary breast carcinoma; Hereditary breast cancer. Identifiers: Orphanet 227535, MedGen C0346153, MONDO:0016419, OMIM 114480. Disease mechanism: loss of function.
Fanconi anemia complementation group J. Also called: BRIP1-Related Fanconi Anemia. Identifiers: Orphanet 84, MedGen C1836860, MONDO:0012187, OMIM 609054.

Submissions (2):

Labcorp Genetics (formerly Invitae), Labcorp
Classification: Uncertain significance for Familial cancer of breast; Fanconi anemia complementation group J. Last evaluated: 2022-10-07. Review status: criteria provided, single submitter. Criteria: Invitae Variant Classification Sherloc (09022015). Collection method: clinical testing. Allele origin: germline.
Comment: This sequence change replaces phenylalanine, which is neutral and non-polar, with leucine, which is neutral and non-polar, at codon 849 of the BRIP1 protein (p.Phe849Leu). This variant is not present in population databases (gnomAD no frequency). This variant has not been reported in the literature in individuals affected with BRIP1-related conditions. ClinVar contains an entry for this variant (Variation ID: 185615). Advanced modeling of protein sequence and biophysical properties (such as structural, functional, and spatial information, amino acid conservation, physicochemical variation, residue mobility, and thermodynamic stability) performed at Invitae indicates that this missense variant is expected to disrupt BRIP1 protein function. Algorithms developed to predict the effect of sequence changes on RNA splicing suggest that this variant may create or strengthen a splice site. In summary, the available evidence is currently insufficient to determine the role of this variant in disease. Therefore, it has been classified as a Variant of Uncertain Significance.

Ambry Genetics
Classification: Uncertain significance for Hereditary cancer-predisposing syndrome. Last evaluated: 2014-07-25. Review status: criteria provided, single submitter. Criteria: Ambry Variant Classification Scheme 2023. Collection method: clinical testing. Allele origin: germline.
Comment: The p.F849L variant (also known as c.2545T>C), located in coding exon 17 of the BRIP1 gene, results from a T to C substitution at nucleotide position 2545. The phenylalanine at codon 849 is replaced by leucine, an amino acid with highly similar properties. This variant was not reported in population based cohorts in the following databases: Database of Single Nucleotide Polymorphisms (dbSNP), NHLBI Exome Sequencing Project (ESP), and 1000 Genomes Project. In the ESP, this variant was not observed in 6502 samples (13004 alleles) with coverage at this position. To date, this alteration has been detected with an allele frequency of approximately 0.005% (greater than 22000 alleles tested) in our clinical cohort.This amino acid position is highly conserved in available vertebrate species. In addition, this alteration is predicted to be deleterious by in silico analysis. Since supporting evidence is limited at this time, the clinical significance of p.F849L remains unclear.